The following is an entry in ClinVar:

NM_001379610.1(SPINK1):c.56G>T (p.Gly19Val)

Gene: SPINK1 (serine peptidase inhibitor Kazal type 1; minus strand). Cytogenetic location: 5q32.
Variant type: single nucleotide variant.
Coding change: c.56G>T on transcript NM_001379610.1 (MANE Select); coding-DNA position 56, G replaced by T.
Protein change: p.Gly19Val; replaces glycine 19 with valine.
Molecular consequence: missense variant.
Genome position (GRCh38, 1-based): chr5:147,829,630, C>A on the plus strand (G>T on the coding strand, the complement: SPINK1 is on the minus strand). VCF-style: chr5-147829630-C-A. GRCh37 (hg19) VCF-style: chr5-147209193-C-A.
Other names: c.56G>T, p.Gly19Val (NM_001354966.2, NM_003122.5); c.56G>T (NM_003122.3); short protein forms G19V.
Identifiers: ClinVar variation 440301 (VCV000440301.12), dbSNP rs1411503462, ClinGen allele CA361885467.

ClinVar aggregate classification (germline): Uncertain significance. Review status: criteria provided, multiple submitters, no conflicts (2 of 4 stars). 4 submissions from 4 submitters: Uncertain significance (4). Last evaluated 2025-11-03.

Conditions:
Hereditary pancreatitis (PCTT). Also called: PRSS1-Related Hereditary Pancreatitis; Hereditary chronic pancreatitis. Identifiers: Orphanet 676, MedGen C0238339, MONDO:0008185, OMIM 167800.
Tropical pancreatitis. Identifiers: Orphanet 103918, MedGen C1842402, MONDO:0011986, OMIM 608189.

Allele frequency attached by ClinVar (database versions not stated): gnomAD exomes below 0.00001; TOPMed 0.00001.
gnomAD v4.1: 1 of 1,612,088 alleles (0.000062%); no homozygotes.

Submissions (4):

Labcorp Genetics (formerly Invitae), Labcorp
Classification: Uncertain significance for Hereditary pancreatitis. Last evaluated: 2025-11-03. Review status: criteria provided, single submitter. Criteria: Invitae Variant Classification Sherloc (09022015). Collection method: clinical testing. Allele origin: germline.
Comment: This sequence change replaces glycine, which is neutral and non-polar, with valine, which is neutral and non-polar, at codon 19 of the SPINK1 protein (p.Gly19Val). This variant is present in population databases (no rsID available, gnomAD 0.006%). This variant has not been reported in the literature in individuals affected with SPINK1-related conditions. ClinVar contains an entry for this variant (Variation ID: 440301). An algorithm developed to predict the effect of missense changes on protein structure and function (PolyPhen-2) suggests that this variant is likely to be disruptive. Algorithms developed to predict the effect of sequence changes on RNA splicing suggest that this variant may disrupt the consensus splice site. In summary, the available evidence is currently insufficient to determine the role of this variant in disease. Therefore, it has been classified as a Variant of Uncertain Significance.

Ambry Genetics
Classification: Uncertain significance for Hereditary pancreatitis. Last evaluated: 2024-05-18. Review status: criteria provided, single submitter. Criteria: Ambry Variant Classification Scheme 2023. Collection method: clinical testing. Allele origin: germline.
Comment: The p.G19V variant (also known as c.56G>T), located in coding exon 2 of the SPINK1 gene, results from a G to T substitution at nucleotide position 56. This variant impacts the first base pair of coding exon 2. The glycine at codon 19 is replaced by valine, an amino acid with dissimilar properties. This amino acid position is highly conserved in available vertebrate species. In addition, the in silico prediction for this alteration is inconclusive. Based on the available evidence, the clinical significance of this variant remains unclear.

Fulgent Genetics
Classification: Uncertain significance for Hereditary pancreatitis; Tropical pancreatitis. Last evaluated: 2024-02-02. Review status: criteria provided, single submitter. Criteria: ACMG Guidelines, 2015. Collection method: clinical testing. Allele origin: germline.

ARUP Laboratories, Molecular Genetics and Genomics, ARUP Laboratories
Classification: Uncertain significance. Last evaluated: 2017-03-29. Review status: criteria provided, single submitter. Criteria: ARUP Molecular Germline Variant Investigation Process. Collection method: clinical testing. Allele origin: germline.